The following is an entry in ClinVar:

ClinVar aggregate classification (germline): Uncertain significance. Review status: criteria provided, multiple submitters, no conflicts (2 of 4 stars). 2 submissions from 2 submitters: Uncertain significance (2). Last evaluated 2026-08-04.

Conditions:
ATL1-related disorder. Also called: ATL1-related condition.
Hereditary spastic paraplegia 3A (SPG3A). Also called: SPASTIC PARAPLEGIA 3, AUTOSOMAL DOMINANT; FAMILIAL SPASTIC PARAPLEGIA, AUTOSOMAL DOMINANT, 1; SPG3; STRUMPELL DISEASE; Spastic Paraplegia 3A; Spastic paraplegia 3A, autosomal dominant. Identifiers: Orphanet 100984, MedGen C2931355, MONDO:0008437, OMIM 182600.

gnomAD v4.1: 5 of 1,614,064 alleles (0.00031%); highest among the groups gnomAD compares: Non-Finnish European, 0.00042%; no homozygotes.

Submissions (2):

PreventionGenetics, part of Exact Sciences
Classification: Uncertain significance for ATL1-related condition. Last evaluated: 2026-08-04. Review status: criteria provided, single submitter. Criteria: ACMG Guidelines, 2015. Collection method: clinical testing. Allele origin: germline.
Comment: The ATL1 c.196G>A variant is predicted to result in the amino acid substitution p.Glu66Lys. To our knowledge, this variant has not been reported in the literature. This variant is reported in 0.0015% of alleles in individuals of European (non-Finnish) descent in gnomAD. At this time, the clinical significance of this variant is uncertain due to the absence of conclusive functional and genetic evidence.

Labcorp Genetics (formerly Invitae), Labcorp
Classification: Uncertain significance for Hereditary spastic paraplegia 3A. Last evaluated: 2020-10-27. Review status: criteria provided, single submitter. Criteria: Invitae Variant Classification Sherloc (09022015). Collection method: clinical testing. Allele origin: germline.
Comment: In summary, the available evidence is currently insufficient to determine the role of this variant in disease. Therefore, it has been classified as a Variant of Uncertain Significance. Algorithms developed to predict the effect of missense changes on protein structure and function (SIFT, PolyPhen-2, Align-GVGD) all suggest that this variant is likely to be tolerated, but these predictions have not been confirmed by published functional studies and their clinical significance is uncertain. This variant has not been reported in the literature in individuals with ATL1-related conditions. This variant is not present in population databases (ExAC no frequency). This sequence change replaces glutamic acid with lysine at codon 66 of the ATL1 protein (p.Glu66Lys). The glutamic acid residue is highly conserved and there is a small physicochemical difference between glutamic acid and lysine.

NM_015915.5(ATL1):c.196G>A (p.Glu66Lys)

Gene: ATL1 (atlastin GTPase 1; plus strand). Cytogenetic location: 14q22.1.
Variant type: single nucleotide variant.
Coding change: c.196G>A on transcript NM_015915.5 (MANE Select); coding-DNA position 196, G replaced by A.
Protein change: p.Glu66Lys; replaces glutamic acid 66 with lysine.
Molecular consequence: missense variant.
Genome position (GRCh38, 1-based): chr14:50,587,992, G>A. VCF-style: chr14-50587992-G-A. GRCh37 (hg19) VCF-style: chr14-51054710-G-A.
Other names: c.196G>A (NM_015915.4); c.196G>A, p.Glu66Lys (NM_001127713.1, NM_181598.4); short protein forms E66K.
Identifiers: ClinVar variation 1038114 (VCV001038114.9), dbSNP rs200314808, ClinGen allele CA389665780.